The following is an entry in ClinVar:

ClinVar aggregate classification (germline): Uncertain significance. Review status: criteria provided, multiple submitters, no conflicts (2 of 4 stars). 2 submissions from 2 submitters: Uncertain significance (2). Last evaluated 2024-12-03.

Conditions:
Inborn genetic diseases. Identifiers: MedGen C0950123, MeSH D030342.

Allele frequency attached by ClinVar (database versions not stated): gnomAD exomes 0.00001; TOPMed 0.00001; ExAC 0.00002.
gnomAD v4.1: 12 of 1,614,112 alleles (0.00074%); highest among the groups gnomAD compares: South Asian, 0.0011%; no homozygotes.

Submissions (2):

Women's Health and Genetics/Laboratory Corporation of America, LabCorp
Classification: Uncertain significance. Last evaluated: 2024-12-03. Review status: criteria provided, single submitter. Criteria: LabCorp Variant Classification Summary - May 2015. Collection method: clinical testing. Allele origin: germline.
Comment: Variant summary: ARID2 c.2969C>T (p.Ser990Leu) results in a non-conservative amino acid change in the encoded protein sequence. Three of five in-silico tools predict a benign effect of the variant on protein function. The variant allele was found at a frequency of 8e-06 in 250952 control chromosomes. The available data on variant occurrences in the general population are insufficient to allow any conclusion about variant significance. To our knowledge, no occurrence of c.2969C>T in individuals affected with Coffin-Siris Syndrome 6 and no experimental evidence demonstrating its impact on protein function have been reported. ClinVar contains an entry for this variant (Variation ID: 3129418). Based on the evidence outlined above, the variant was classified as uncertain significance.

Ambry Genetics
Classification: Uncertain significance for Inborn genetic diseases. Last evaluated: 2023-11-02. Review status: criteria provided, single submitter. Criteria: Ambry Variant Classification Scheme 2023. Collection method: clinical testing. Allele origin: germline.

NM_152641.4(ARID2):c.2969C>T (p.Ser990Leu)

Gene: ARID2 (AT-rich interaction domain 2; plus strand). Cytogenetic location: 12q12.
Variant type: single nucleotide variant.
Coding change: c.2969C>T on transcript NM_152641.4 (MANE Select); coding-DNA position 2969, C replaced by T.
Protein change: p.Ser990Leu; replaces serine 990 with leucine.
Molecular consequence: missense variant.
Genome position (GRCh38, 1-based): chr12:45,851,092, C>T. VCF-style: chr12-45851092-C-T. GRCh37 (hg19) VCF-style: chr12-46244875-C-T.
Other names: c.2969C>T, p.Ser990Leu (NM_001347839.2); short protein forms S990L.
Identifiers: ClinVar variation 3129418 (VCV003129418.2), dbSNP rs758368727, ClinGen allele CA6526404.